The following is an entry in ClinVar:

ClinVar aggregate classification (germline): Uncertain significance (1 of 4 stars; one submission).

Conditions:
Cone-rod dystrophy 13 (CORD13). Identifiers: Orphanet 1872, MedGen C2750720, MONDO:0011987, OMIM 608194.
Leber congenital amaurosis 6 (LCA6). Identifiers: Orphanet 65, MedGen C1854260, MONDO:0013446, OMIM 613826.

Allele frequency attached by ClinVar (database versions not stated): TOPMed below 0.00001.
gnomAD v4.1: 5 of 1,586,540 alleles (0.00032%); highest among the groups gnomAD compares: Non-Finnish European, 0.00043%; no homozygotes.

Submission:

Labcorp Genetics (formerly Invitae), Labcorp
Classification: Uncertain significance for Leber congenital amaurosis 6; Cone-rod dystrophy 13. Last evaluated: 2022-07-19. Review status: criteria provided, single submitter. Criteria: Invitae Variant Classification Sherloc (09022015). Collection method: clinical testing. Allele origin: germline.
Comment: This sequence change replaces serine, which is neutral and polar, with leucine, which is neutral and non-polar, at codon 176 of the RPGRIP1 protein (p.Ser176Leu). This variant is not present in population databases (gnomAD no frequency). This variant has not been reported in the literature in individuals affected with RPGRIP1-related conditions. ClinVar contains an entry for this variant (Variation ID: 1436829). Algorithms developed to predict the effect of missense changes on protein structure and function (SIFT, PolyPhen-2, Align-GVGD) all suggest that this variant is likely to be tolerated. Algorithms developed to predict the effect of sequence changes on RNA splicing suggest that this variant may disrupt the consensus splice site. In summary, the available evidence is currently insufficient to determine the role of this variant in disease. Therefore, it has been classified as a Variant of Uncertain Significance.

NM_020366.4(RPGRIP1):c.527C>T (p.Ser176Leu)

Gene: RPGRIP1 (RPGR interacting protein 1; plus strand). Cytogenetic location: 14q11.2.
Variant type: single nucleotide variant.
Coding change: c.527C>T on transcript NM_020366.4 (MANE Select); coding-DNA position 527, C replaced by T.
Protein change: p.Ser176Leu; replaces serine 176 with leucine.
Molecular consequence: missense variant.
Genome position (GRCh38, 1-based): chr14:21,302,524, C>T. VCF-style: chr14-21302524-C-T. GRCh37 (hg19) VCF-style: chr14-21770683-C-T.
Other names: short protein forms S176L.
Identifiers: ClinVar variation 1436829 (VCV001436829.8), dbSNP rs1011857075, ClinGen allele CA257494821.